The following is an entry in ClinVar:

ClinVar aggregate classification (germline): Uncertain significance (1 of 4 stars; one submission).

Submission:

CeGaT Center for Human Genetics Tuebingen
Classification: Uncertain significance. Last evaluated: 2025-10-01. Review status: criteria provided, single submitter. Criteria: CeGaT Center For Human Genetics Tuebingen Variant Classification Criteria Version 2. Collection method: clinical testing. Allele origin: germline. Affected: yes. Observed: 1 variant allele.
Comment: KCNQ2: PM2, BP4

NM_172107.4(KCNQ2):c.1632-4G>C

Gene: KCNQ2 (potassium voltage-gated channel subfamily Q member 2; minus strand). Cytogenetic location: 20q13.33.
Variant type: single nucleotide variant.
Coding change: c.1632-4G>C on transcript NM_172107.4 (MANE Select); 4 bases into the intron before coding-DNA position 1632, G replaced by C.
Molecular consequence: intron variant.
Genome position (GRCh38, 1-based): chr20:63,413,585, C>G on the plus strand (G>C on the coding strand, the complement: KCNQ2 is on the minus strand). VCF-style: chr20-63413585-C-G. GRCh37 (hg19) VCF-style: chr20-62044938-C-G.
Other names: c.1545-4G>C (NM_001439004.1); c.1548-4G>C (NM_004518.6); c.1539-4G>C (NM_172108.5); c.1575-4G>C (NM_001439003.1); c.1578-4G>C (NM_172106.3, NM_001382235.1).
Identifiers: ClinVar variation 4533802 (VCV004533802.6).
Genomic context (GRCh38, chr20:63,413,585, plus strand): 5'-TCGTAGGGCCGCAGGCTCTCCTTGAACTTCCGCTTGGACACCAGGAACCGCATGACACTG[C>G]AGGGGGGTGGGTGGGGCTGTGAGCCCTGGGCCAGAGACCCCCGGCCACAGGCACCAGGAC-3'